The following is an entry in ClinVar:

NM_005861.4(STUB1):c.610C>T (p.His204Tyr)

Genes: JMJD8 (jumonji domain containing 8; minus strand), STUB1 (STIP1 homology and U-box containing protein 1; plus strand). Cytogenetic location: 16p13.3.
Variant type: single nucleotide variant.
Coding change: c.610C>T on transcript NM_005861.4 (MANE Select); coding-DNA position 610, C replaced by T.
Protein change: p.His204Tyr; replaces histidine 204 with tyrosine.
Molecular consequence: missense variant. On other transcripts: non-coding transcript variant (3), 3 prime UTR variant (5).
Genome position (GRCh38, 1-based): chr16:681,878, C>T. VCF-style: chr16-681878-C-T. GRCh37 (hg19) VCF-style: chr16-731878-C-T.
Other names: c.394C>T, p.His132Tyr (NM_001293197.2); c.*916G>A (NM_001005920.4, NM_001323919.3, NM_001323920.3); c.*950G>A (NM_001323918.3, NM_001323922.3); short protein forms H132Y, H204Y.
Identifiers: ClinVar variation 3389652 (VCV003389652.14).

ClinVar aggregate classification (germline): Uncertain significance (1 of 4 stars; one submission).

Submission:

CeGaT Center for Human Genetics Tuebingen
Classification: Uncertain significance. Last evaluated: 2024-09-01. Review status: criteria provided, single submitter. Criteria: CeGaT Center For Human Genetics Tuebingen Variant Classification Criteria Version 2. Collection method: clinical testing. Allele origin: germline. Affected: yes. Observed: 1 variant allele.
Comment: STUB1: PM2, PP3